The following is an entry in ClinVar:

NM_000521.4(HEXB):c.688_689insTTAAA (p.Lys230fs)

Gene: HEXB (hexosaminidase subunit beta; plus strand). Cytogenetic location: 5q13.3.
Variant type: Insertion.
Coding change: c.688_689insTTAAA on transcript NM_000521.4 (MANE Select); coding-DNA positions 688 to 689, TTAAA inserted.
Protein change: p.Lys230fs; shifts the reading frame from lysine 230.
Molecular consequence: frameshift variant.
Genome position: GRCh38 VCF-style: chr5-74705236-T-TATTAA. GRCh37 (hg19) VCF-style: chr5-74001061-T-TATTAA.
Other names: c.13_14insTTAAA, p.Lys5fs (NM_001292004.2); short protein forms K230fs, K5fs.
Identifiers: ClinVar variation 5012794 (VCV005012794.1).
Genomic context (GRCh38, chr5:74,705,236, plus strand): 5'-ATGATATCTGCAGTAAATAATTTTTAAATATGTTTGCTTGCAGGATGCCATGGCTTTTAA[T>TATTAA]AAGTTTAATGTTCTTCACTGGCACATAGTTGATGACCAGTCTTTCCCATATCAGAGCATC-3'

ClinVar aggregate classification (germline): Pathogenic (1 of 4 stars; one submission).

Conditions:
Sandhoff disease. Also called: HEXOSAMINIDASES A AND B DEFICIENCY; Beta-hexosaminidase-beta-subunit deficiency; GM2 gangliosidosis, type 2; Total hexosaminidase deficiency; Sandhoff-Jatzkewitz-Pilz disease; GM2-GANGLIOSIDOSIS, TYPE II. Identifiers: Orphanet 796, MedGen C0036161, MONDO:0010006, OMIM 268800.

Submission:

Myriad Genetics, Inc.
Classification: Pathogenic for Sandhoff disease. Last evaluated: 2024-03-02. Review status: criteria provided, single submitter. Criteria: Myriad Autosomal Dominant, Autosomal Recessive and X-Linked Classification Criteria (2023). Collection method: clinical testing. Allele origin: unknown.
Comment: NM_000521.3(HEXB):c.688_689ins5(K230Ifs*11) is expected to be pathogenic in the context of Sandhoff disease. This variant is predicted to lead to an abnormal or absent protein product due to the creation of a premature termination codon in HEXB, a gene where loss-of-function variants are known to be pathogenic. Please note: this variant was assessed in the context of healthy population screening.